The following is an entry in ClinVar:

NM_000163.5(GHR):c.599A>G (p.Asn200Ser)

Gene: GHR (growth hormone receptor; plus strand). Cytogenetic location: 5p12.
Variant type: single nucleotide variant.
Coding change: c.599A>G on transcript NM_000163.5 (MANE Select); coding-DNA position 599, A replaced by G.
Protein change: p.Asn200Ser; replaces asparagine 200 with serine.
Molecular consequence: missense variant.
Genome position (GRCh38, 1-based): chr5:42,699,983, A>G. VCF-style: chr5-42699983-A-G. GRCh37 (hg19) VCF-style: chr5-42700085-A-G.
Other names: c.620A>G, p.Asn207Ser (NM_001242399.2); c.599A>G, p.Asn200Ser (NM_001242400.2, NM_001242401.4, NM_001242402.2 and 5 more transcripts); c.533A>G, p.Asn178Ser (NM_001242460.2); short protein forms N178S, N200S, N207S.
Identifiers: ClinVar variation 3367179 (VCV003367179.1).
Genomic context (GRCh38, chr5:42,699,983, plus strand): 5'-ATGCAGATATTCAGAAAGGATGGATGGTTCTGGAGTATGAACTTCAATACAAAGAAGTAA[A>G]TGAAACTAAATGGAAAATGGTAAGATGTTGCTACACCTTACACTTTGACTTTTCTTTCTA-3'
Protein context (NP_000154.1, residues 190-210): LEYELQYKEV[Asn200Ser]ETKWKMMDPI

ClinVar aggregate classification (germline): Uncertain significance (1 of 4 stars; one submission).

Conditions:
Laron-type isolated somatotropin defect. Also called: GROWTH HORMONE RECEPTOR DEFICIENCY; Laron Syndrome; Growth hormone binding protein deficiency or dysfunction; Growth hormone receptor deficiency or dysfunction; Laron dwarfism; Laron type pituitary dwarfism I. Identifiers: Orphanet 633, MedGen C0271568, MONDO:0009877, OMIM 262500.

Submission:

Diagnostics Services (NGS), CSIR - Centre For Cellular And Molecular Biology
Classification: Uncertain significance for Laron-type isolated somatotropin defect. Last evaluated: 2024-10-21. Review status: criteria provided, single submitter. Criteria: ACMG Guidelines, 2015. Collection method: clinical testing. Allele origin: germline. Affected: yes. Observed: 1 variant allele, 1 homozygote.
Comment: The c.599A>G variant is not present in publicly available population databases like 1000 Genomes, ExAC, EVS, gnomAD, Indian Exome Database or our in-house exome database. This variant has been previously observed in two Indian children affected with growth hormone insensitivity [1]. It has not been reported to the clinical databases like ClinVar, Human Genome Mutation Database (HGMD) or OMIM, in any affected individuals. In-silico pathogenicity prediction programs like SIFT, PolyPhen-2, MutationTaster2, CADD etc predicted this variant to be likely deleterious however these predictions were not confirmed by published functional studies.

Literature cited by the submitters: PubMed 28870985.